The following is an entry in ClinVar:

ClinVar aggregate classification (germline): Benign. Review status: criteria provided, multiple submitters, no conflicts (2 of 4 stars). 6 submissions from 5 submitters: Benign (6). Last evaluated 2026-02-03.

Conditions:
Lethal Kniest-like syndrome (DDSH). Also called: Dyssegmental Dysplasia. Identifiers: Orphanet 1865, MedGen C1857100, MONDO:0009140, OMIM 224410.
Schwartz-Jampel syndrome. Also called: Myotonic myopathy dwarfism chondrodystrophy and ocular and facial abnormalities. Identifiers: Orphanet 800, MedGen C0036391, MONDO:0009717.

Allele frequency attached by ClinVar (database versions not stated): gnomAD exomes 0.03289 and 0.03426; ExAC 0.03789; 1000 Genomes Project 0.06390; 1000 Genomes Project 30x 0.06933; gnomAD 0.07122 and 0.07593; TOPMed 0.07603; ESP Exome Variant Server 0.07873.
gnomAD v4.1: 59,202 of 1,613,214 alleles (3.7%); highest among the groups gnomAD compares: African/African-American, 18%; 2,049 homozygotes.

Submissions (6):

Labcorp Genetics (formerly Invitae), Labcorp
Classification: Benign. Last evaluated: 2026-02-03. Review status: criteria provided, single submitter. Criteria: Invitae Variant Classification Sherloc (09022015). Collection method: clinical testing. Allele origin: germline.

Athena Diagnostics
Classification: Benign. Last evaluated: 2019-01-28. Review status: criteria provided, single submitter. Criteria: Athena Diagnostics Criteria. Collection method: clinical testing. Allele origin: germline.

GeneDx
Classification: Benign. Last evaluated: 2018-08-25. Review status: criteria provided, single submitter. Criteria: GeneDx Variant Classification Process June 2021. Collection method: clinical testing. Allele origin: germline. Affected: yes.

Illumina Laboratory Services, Illumina
Classification: Benign for Lethal Kniest-like syndrome. Last evaluated: 2018-01-13. Review status: criteria provided, single submitter. Criteria: ICSL Variant Classification Criteria 13 December 2019. Collection method: clinical testing. Allele origin: germline.
Comment: This variant was observed in the ICSL laboratory as part of a predisposition screen in an ostensibly healthy population. It had not been previously curated by ICSL or reported in the Human Gene Mutation Database (HGMD: prior to June 1st, 2018), and was therefore a candidate for classification through an automated scoring system. Utilizing variant allele frequency, disease prevalence and penetrance estimates, and inheritance mode, an automated score was calculated to assess if this variant is too frequent to cause the disease. Based on the score and internal cut-off values, a variant classified as benign is not then subjected to further curation. The score for this variant resulted in a classification of benign for this disease.

Illumina Laboratory Services, Illumina
Classification: Benign for Schwartz-Jampel syndrome type 1. Last evaluated: 2018-01-13. Review status: criteria provided, single submitter. Criteria: ICSL Variant Classification Criteria 13 December 2019. Collection method: clinical testing. Allele origin: germline.
Comment: the same text as in the submission from Illumina Laboratory Services, Illumina above.

Breakthrough Genomics
Classification: Benign. Review status: criteria provided, single submitter. Criteria: ACMG Guidelines, 2015. Collection method: not provided. Allele origin: germline. Inheritance: Autosomal recessive inheritance. Affected: yes.

NM_005529.7(HSPG2):c.3557G>A (p.Arg1186Gln)

Gene: HSPG2 (heparan sulfate proteoglycan 2; minus strand). Cytogenetic location: 1p36.12.
Variant type: single nucleotide variant.
Coding change: c.3557G>A on transcript NM_005529.7 (MANE Select); coding-DNA position 3557, G replaced by A.
Protein change: p.Arg1186Gln; replaces arginine 1186 with glutamine.
Molecular consequence: missense variant.
Genome position (GRCh38, 1-based): chr1:21,874,505, C>T on the plus strand (G>A on the coding strand, the complement: HSPG2 is on the minus strand). VCF-style: chr1-21874505-C-T. GRCh37 (hg19) VCF-style: chr1-22200998-C-T.
Other names: c.3560G>A, p.Arg1187Gln (NM_001291860.2); short protein forms R1186Q, R1187Q.
Identifiers: ClinVar variation 295860 (VCV000295860.17), dbSNP rs2229481, ClinGen allele CA672602.
Genomic context (GRCh38, chr1:21,874,505, plus strand): 5'-CAGTCCTGTGGTGTCCCCCGCTGGGCGTCCCCGTAGTATCCTGGCTGGCACTGCTCACAC[C>T]GAGGGCCCTCCGTGTGATGCTGGCAGCCCTGGAGGAGCAGGATGTGAGTTGAGGCTGGGC-3'
Protein context (NP_005520.4, residues 1176-1196): QGCQHHTEGP[Arg1186Gln]CEQCQPGYYG